The following is an entry in ClinVar:

NM_001039213.4(CEACAM16):c.1249G>T (p.Val417Leu)

Genes: CEACAM16 (CEA cell adhesion molecule 16, tectorial membrane component; plus strand), CEACAM16-AS1 (CEACAM16, CEACAM19 and PVR antisense RNA 1; minus strand). Cytogenetic location: 19q13.32.
Variant type: single nucleotide variant.
Coding change: c.1249G>T on transcript NM_001039213.4 (MANE Select); coding-DNA position 1249, G replaced by T.
Protein change: p.Val417Leu; replaces valine 417 with leucine.
Molecular consequence: missense variant.
Genome position (GRCh38, 1-based): chr19:44,708,169, G>T. VCF-style: chr19-44708169-G-T. GRCh37 (hg19) VCF-style: chr19-45211441-G-T.
Other names: short protein forms V417L.
Identifiers: ClinVar variation 3390707 (VCV003390707.1).

ClinVar aggregate classification (germline): Uncertain significance (1 of 4 stars; one submission).

gnomAD v4.1: 25 of 1,576,434 alleles (0.0016%); highest among the groups gnomAD compares: Non-Finnish European, 0.0021%; no homozygotes.

Submission:

GeneDx
Classification: Uncertain significance. Last evaluated: 2024-06-10. Review status: criteria provided, single submitter. Criteria: GeneDx Variant Classification Process June 2021. Collection method: clinical testing. Allele origin: germline. Affected: yes.
Comment: Not observed at significant frequency in large population cohorts (gnomAD); In silico analysis indicates that this missense variant does not alter protein structure/function; Has not been previously published as pathogenic or benign to our knowledge